The following is an entry in ClinVar:

NM_014920.5(CILK1):c.652A>G (p.Thr218Ala)

Gene: CILK1 (ciliogenesis associated kinase 1; minus strand). Cytogenetic location: 6p12.1.
Variant type: single nucleotide variant.
Coding change: c.652A>G on transcript NM_014920.5 (MANE Select); coding-DNA position 652, A replaced by G.
Protein change: p.Thr218Ala; replaces threonine 218 with alanine.
Molecular consequence: missense variant. On other transcripts: non-coding transcript variant (1).
Genome position (GRCh38, 1-based): chr6:53,018,341, T>C on the plus strand (A>G on the coding strand, the complement: CILK1 is on the minus strand). VCF-style: chr6-53018341-T-C. GRCh37 (hg19) VCF-style: chr6-52883139-T-C.
Other names: c.652A>G, p.Thr218Ala (NM_001375397.1, NM_001375398.1, NM_001375399.1 and 4 more transcripts); c.652A>G (NM_016513.4); short protein forms T218A.
Identifiers: ClinVar variation 2414446 (VCV002414446.10), dbSNP rs759836069, ClinGen allele CA3858745.

ClinVar aggregate classification (germline): Uncertain significance. Review status: criteria provided, multiple submitters, no conflicts (2 of 4 stars). 4 submissions from 4 submitters: Uncertain significance (3). 1 of the submissions does not count toward it. Last evaluated 2025-05-29.

Conditions:
CILK1-related disorder. Also called: CILK1-related condition.

Allele frequency attached by ClinVar (database versions not stated): ExAC 0.00001; gnomAD 0.00001.
gnomAD v4.1: 17 of 1,614,166 alleles (0.0011%); highest among the groups gnomAD compares: Middle Eastern, 0.2%; no homozygotes.

Submissions (4):

Women's Health and Genetics/Laboratory Corporation of America, LabCorp
Classification: Uncertain significance. Last evaluated: 2025-05-29. Review status: criteria provided, single submitter. Criteria: LabCorp Variant Classification Summary - May 2015. Collection method: clinical testing. Allele origin: germline.
Comment: Variant summary: CILK1 c.652A>G (p.Thr218Ala) results in a non-conservative amino acid change in the encoded protein sequence. Algorithms developed to predict the effect of missense changes on protein structure and function are either unavailable or do not agree on the potential impact of this missense change. The variant allele was found at a frequency of 4e-06 in 251344 control chromosomes. The available data on variant occurrences in the general population are insufficient to allow any conclusion about variant significance. To our knowledge, no occurrence of c.652A>G in individuals affected with CILK1-Related Disorders and no experimental evidence demonstrating its impact on protein function have been reported. ClinVar contains an entry for this variant (Variation ID: 2414446). Based on the evidence outlined above, the variant was classified as uncertain significance.

Blueprint Genetics
Classification: Uncertain significance. Last evaluated: 2022-10-07. Review status: criteria provided, single submitter. Criteria: ACMG Guidelines, 2015. Collection method: clinical testing. Allele origin: germline.

Labcorp Genetics (formerly Invitae), Labcorp
Classification: Uncertain significance. Last evaluated: 2022-08-19. Review status: criteria provided, single submitter. Criteria: Invitae Variant Classification Sherloc (09022015). Collection method: clinical testing. Allele origin: germline.
Comment: In summary, the available evidence is currently insufficient to determine the role of this variant in disease. Therefore, it has been classified as a Variant of Uncertain Significance. Algorithms developed to predict the effect of missense changes on protein structure and function (SIFT, PolyPhen-2, Align-GVGD) all suggest that this variant is likely to be disruptive. This variant has not been reported in the literature in individuals affected with ICK-related conditions. This variant is present in population databases (rs759836069, gnomAD 0.0009%). This sequence change replaces threonine, which is neutral and polar, with alanine, which is neutral and non-polar, at codon 218 of the ICK protein (p.Thr218Ala).

PreventionGenetics, part of Exact Sciences
Classification: Uncertain significance for CILK1-related condition. Last evaluated: 2023-12-19. Review status: no assertion criteria provided. Collection method: clinical testing. Allele origin: germline. Not counted in ClinVar's aggregate classification.
Comment: The CILK1 c.652A>G variant is predicted to result in the amino acid substitution p.Thr218Ala. To our knowledge, this variant has not been reported in the literature. This variant is reported in 0.00088% of alleles in individuals of European (Non-Finnish) descent in gnomAD. At this time, the clinical significance of this variant is uncertain due to the absence of conclusive functional and genetic evidence.